The following is an entry in ClinVar:

ClinVar aggregate classification (germline): Uncertain significance (1 of 4 stars; one submission).

Submission:

Labcorp Genetics (formerly Invitae), Labcorp
Classification: Uncertain significance. Last evaluated: 2024-05-23. Review status: criteria provided, single submitter. Criteria: Invitae Variant Classification Sherloc (09022015). Collection method: clinical testing. Allele origin: germline.
Comment: This sequence change replaces methionine, which is neutral and non-polar, with isoleucine, which is neutral and non-polar, at codon 101 of the CLCN2 protein (p.Met101Ile). This variant is not present in population databases (gnomAD no frequency). This variant has not been reported in the literature in individuals affected with CLCN2-related conditions. Advanced modeling of protein sequence and biophysical properties (such as structural, functional, and spatial information, amino acid conservation, physicochemical variation, residue mobility, and thermodynamic stability) performed at Invitae indicates that this missense variant is expected to disrupt CLCN2 protein function with a positive predictive value of 80%. In summary, the available evidence is currently insufficient to determine the role of this variant in disease. Therefore, it has been classified as a Variant of Uncertain Significance.

NM_004366.6(CLCN2):c.303G>A (p.Met101Ile)

Gene: CLCN2 (chloride voltage-gated channel 2; minus strand). Cytogenetic location: 3q27.1.
Variant type: single nucleotide variant.
Coding change: c.303G>A on transcript NM_004366.6 (MANE Select); coding-DNA position 303, G replaced by A.
Protein change: p.Met101Ile; replaces methionine 101 with isoleucine.
Molecular consequence: missense variant. On other transcripts: intron variant (1).
Genome position (GRCh38, 1-based): chr3:184,358,731, C>T on the plus strand (G>A on the coding strand, the complement: CLCN2 is on the minus strand). VCF-style: chr3-184358731-C-T. GRCh37 (hg19) VCF-style: chr3-184076519-C-T.
Other names: c.303G>A, p.Met101Ile (NM_001171087.3, NM_001171089.3); c.220+244G>A (NM_001171088.3); short protein forms M101I.
Identifiers: ClinVar variation 3649192 (VCV003649192.2).
Genomic context (GRCh38, chr3:184,358,731, plus strand): 5'-GTCACCCTCACCTTGCAGACAGGCAGCAATGGCATAGTCCATGACCCAGCTGACCAATGC[C>T]ATGAGAAGCCCCAGCAGGACCAGGAAGATCCAATCTTCACCAACCCTGGATACTAGGAAC-3'
Protein context (NP_004357.3, residues 91-111): WIFLVLLGLL[Met101Ile]ALVSWVMDYA